The following is an entry in ClinVar:

ClinVar aggregate classification (germline): Uncertain significance (1 of 4 stars; one submission).

Conditions:
Mega-corpus-callosum syndrome with cerebellar hypoplasia and cortical malformations. Identifiers: MedGen C4748927, MONDO:0032648, OMIM 618273.

Submission:

3billion
Classification: Uncertain significance for Mega-corpus-callosum syndrome with cerebellar hypoplasia and cortical malformations. Last evaluated: 2023-07-25. Review status: criteria provided, single submitter. Criteria: ACMG Guidelines, 2015. Collection method: clinical testing. Allele origin: germline. Affected: yes.
Comment: The variant is not observed in the gnomAD v2.1.1 dataset. Predicted Consequence/Location: Missense changes are a common disease-causing mechanism. Therefore, this variant is classified as VUS according to the recommendation of ACMG/AMP guideline.

NM_014975.3(MAST1):c.1574G>A (p.Ser525Asn)

Gene: MAST1 (microtubule associated serine/threonine kinase 1; plus strand). Cytogenetic location: 19p13.13.
Variant type: single nucleotide variant.
Coding change: c.1574G>A on transcript NM_014975.3 (MANE Select); coding-DNA position 1574, G replaced by A.
Protein change: p.Ser525Asn; replaces serine 525 with asparagine.
Molecular consequence: missense variant.
Genome position (GRCh38, 1-based): chr19:12,865,114, G>A. VCF-style: chr19-12865114-G-A. GRCh37 (hg19) VCF-style: chr19-12975928-G-A.
Other names: short protein forms S525N.
Identifiers: ClinVar variation 3776138 (VCV003776138.1).